The following is an entry in ClinVar:

NC_000009.12:g.35657942G>A

Gene: RMRP (RNA component of mitochondrial RNA processing endoribonuclease; minus strand). Cytogenetic location: 9p13.3.
Variant type: single nucleotide variant.
Genome position: GRCh38 VCF-style: chr9-35657942-G-A. GRCh37 (hg19) VCF-style: chr9-35657939-G-A.
Identifiers: ClinVar variation 2180358 (VCV002180358.3), dbSNP rs889473053, ClinGen allele CA192745663.

ClinVar aggregate classification (germline): Uncertain significance (1 of 4 stars; one submission).

Conditions:
Anauxetic dysplasia. Identifiers: Orphanet 93347, MedGen C1846796, MONDO:0011773.

Allele frequency attached by ClinVar (database versions not stated): TOPMed below 0.00001; gnomAD 0.00001.
gnomAD v4.1: 2 of 700,344 alleles (0.00029%); highest among the groups gnomAD compares: African/African-American, 0.0017%; no homozygotes.

Submission:

Labcorp Genetics (formerly Invitae), Labcorp
Classification: Uncertain significance for Anauxetic dysplasia. Last evaluated: 2024-08-20. Review status: criteria provided, single submitter. Criteria: Invitae Variant Classification Sherloc (09022015). Collection method: clinical testing. Allele origin: germline.
Comment: This variant occurs in the RMRP gene, which encodes an RNA molecule that does not result in a protein product. This variant is present in population databases (no rsID available, gnomAD 0.02%). This variant has been observed in individual(s) with RMRP-related conditions (internal data). This variant is also known as g.76C>T. ClinVar contains an entry for this variant (Variation ID: 2180358). Experimental studies and prediction algorithms are not available or were not evaluated, and the functional significance of this variant is currently unknown. In summary, the available evidence is currently insufficient to determine the role of this variant in disease. Therefore, it has been classified as a Variant of Uncertain Significance.